The following is an entry in ClinVar:

ClinVar aggregate classification (germline): Likely pathogenic. Review status: criteria provided, multiple submitters, no conflicts (2 of 4 stars). 4 submissions from 4 submitters: Likely pathogenic (4). Last evaluated 2026-01-19.

Conditions:
Cardiovascular phenotype. Identifiers: MedGen CN230736.
Arrhythmogenic right ventricular cardiomyopathy (ARVD). Also called: Arrhythmogenic cardiomyopathy; Arrhythmogenic Right Ventricular Cardiomyopathy (ARVC); Cardiomyopathy, ARVC; Arrhythmogenic right ventricular dysplasia. Identifiers: Orphanet 247, MedGen C0349788, MeSH D019571, MONDO:0016587. Disease mechanism: loss of function. Inheritance: Various modes of inheritance.
Cardiomyopathy (CMYO). Also called: Cardiomyopathies. Identifiers: Orphanet 167848, MedGen C0878544, MONDO:0004994, HP:0001638. Inheritance: Various modes of inheritance.
Arrhythmogenic right ventricular dysplasia 9 (ARVD9). Also called: Arrhythmogenic Right Ventricular Dysplasia/Cardiomyopathy 9; ARRHYTHMOGENIC RIGHT VENTRICULAR DYSPLASIA, FAMILIAL, 9. Identifiers: MedGen C1836906, MONDO:0012180, OMIM 609040.

Submissions (4):

Labcorp Genetics (formerly Invitae), Labcorp
Classification: Likely pathogenic for Arrhythmogenic right ventricular dysplasia 9. Last evaluated: 2026-01-19. Review status: criteria provided, single submitter. Criteria: Invitae Variant Classification Sherloc (09022015). Collection method: clinical testing. Allele origin: germline.
Comment: This sequence change affects a donor splice site in intron 3 of the PKP2 gene. It is expected to disrupt RNA splicing. Variants that disrupt the donor or acceptor splice site typically lead to a loss of protein function (PMID: 16199547), and loss-of-function variants in PKP2 are known to be pathogenic (PMID: 15489853, 17041889, 23911551). This variant is not present in population databases (gnomAD no frequency). Disruption of this splice site has been observed in individual(s) with arrhythmogenic cardiomyopathy or dilated cardiomyopathy (PMID: 31319917, 32372669, 32458740). ClinVar contains an entry for this variant (Variation ID: 533042). Algorithms developed to predict the effect of sequence changes on RNA splicing suggest that this variant may disrupt the consensus splice site. In summary, the currently available evidence indicates that the variant is pathogenic, but additional data are needed to prove that conclusively. Therefore, this variant has been classified as Likely Pathogenic.

Color Diagnostics, LLC DBA Color Health
Classification: Likely pathogenic for Cardiomyopathy. Last evaluated: 2024-05-13. Review status: criteria provided, single submitter. Criteria: ACMG Guidelines, 2015. Collection method: clinical testing. Allele origin: germline.
Comment: This variant causes a G to C nucleotide substitution at the +1 position of intron 3 of the PKP2 gene. Splice site prediction tools predict that this variant may have a significant impact on RNA splicing. Although this prediction has not been confirmed in published RNA studies, this variant is expected to result in an absent or disrupted protein product. This variant has not been reported in individuals affected with cardiovascular disorders in the literature. This variant has not been identified in the general population by the Genome Aggregation Database (gnomAD). A different variant occurring at the same position, c.1034+1G>T, has been reported in individuals affected with arrhythmogenic cardiomyopathy and is known to be disease-causing (ClinVar variation ID: 228286). Loss of PKP2 function is a known mechanism of disease. Based on the available evidence, this variant is classified as Likely Pathogenic.

All of Us Research Program, National Institutes of Health
Classification: Likely pathogenic for Arrhythmogenic right ventricular cardiomyopathy. Last evaluated: 2024-01-08. Review status: criteria provided, single submitter. Criteria: ACMG Guidelines, 2015. Collection method: clinical testing. Allele origin: germline. Inheritance: Autosomal dominant inheritance. Observed: 1 variant allele, 1 heterozygote.
Comment: This variant causes a G to C nucleotide substitution at the +1 position of intron 3 of the PKP2 gene. Splice site prediction tools predict that this variant may have a significant impact on RNA splicing. Although this prediction has not been confirmed in published RNA studies, this variant is expected to result in an absent or disrupted protein product. This variant has not been reported in individuals affected with cardiovascular disorders in the literature. This variant has not been identified in the general population by the Genome Aggregation Database (gnomAD). A different variant occurring at the same position, c.1034+1G>T, has been reported in individuals affected with arrhythmogenic cardiomyopathy and is known to be disease-causing (ClinVar variation ID: 228286). Loss of PKP2 function is a known mechanism of disease. Based on the available evidence, this variant is classified as Likely Pathogenic.

This study involves interpretation of variants in research participants for the purpose of population health screening. Participant phenotype was not available at the time of variant classification. Additional details can be found in publication PMID: 35346344, PMCID: PMC8962531

Ambry Genetics
Classification: Likely pathogenic for Cardiovascular phenotype. Last evaluated: 2019-08-22. Review status: criteria provided, single submitter. Criteria: Ambry Variant Classification Scheme 2023. Collection method: clinical testing. Allele origin: germline.
Comment: The c.1034+1G>C intronic variant results from a G to C substitution one nucleotide after coding exon 3 of the PKP2 gene. This nucleotide position is highly conserved in available vertebrate species. Using the BDGP and ESEfinder splice site prediction tools, this alteration is predicted to abolish the native splice donor site; however, direct evidence is unavailable. Alterations that disrupt the canonical splice site are expected to cause aberrant splicing, resulting in an abnormal protein or a transcript that is subject to nonsense-mediated mRNA decay. As such, this alteration is classified as likely pathogenic.

Literature cited by the submitters: PubMed 16199547 (cited by Labcorp Genetics (formerly Invitae), Labcorp); PubMed 15489853 (cited by Labcorp Genetics (formerly Invitae), Labcorp); PubMed 17041889 (cited by Labcorp Genetics (formerly Invitae), Labcorp); PubMed 23911551 (cited by Labcorp Genetics (formerly Invitae), Labcorp); PubMed 31319917 (cited by Labcorp Genetics (formerly Invitae), Labcorp); PubMed 32372669 (cited by Labcorp Genetics (formerly Invitae), Labcorp); PubMed 32458740 (cited by Labcorp Genetics (formerly Invitae), Labcorp).

NM_001005242.3(PKP2):c.1034+1G>C

Gene: PKP2 (plakophilin 2; minus strand). Cytogenetic location: 12p11.21.
Variant type: single nucleotide variant.
Coding change: c.1034+1G>C on transcript NM_001005242.3 (MANE Select); the canonical splice donor site of the intron after coding-DNA position 1034, G replaced by C.
Molecular consequence: splice donor variant.
Genome position (GRCh38, 1-based): chr12:32,877,845, C>G on the plus strand (G>C on the coding strand, the complement: PKP2 is on the minus strand). VCF-style: chr12-32877845-C-G. GRCh37 (hg19) VCF-style: chr12-33030779-C-G.
Other names: c.1034+1G>C (NM_001407156.1, NM_001407155.1, NM_004572.4 and 2 more transcripts); c.707+1G>C (NM_001407160.1, NM_001407159.1, NM_001407158.1 and 1 more transcripts).
Identifiers: ClinVar variation 533042 (VCV000533042.13), dbSNP rs869025496, ClinGen allele CA384361546.
Genomic context (GRCh38, chr12:32,877,845, plus strand): 5'-AGGGCTGTGGGAACAGAATGTGCTGGCAATGACTGAACTGCAGAGTCAGGAGGGGACTTA[C>G]CCCAGCTGGGAGTCAGTGAAAGTGCTTCTCTCAGTGAGCAGATTCCCACTTCCCCCTGCG-3'